The following is an entry in ClinVar:

ClinVar aggregate classification (germline): Uncertain significance (1 of 4 stars; one submission).

Submission:

Labcorp Genetics (formerly Invitae), Labcorp
Classification: Uncertain significance. Last evaluated: 2022-11-01. Review status: criteria provided, single submitter. Criteria: Invitae Variant Classification Sherloc (09022015). Collection method: clinical testing. Allele origin: germline.
Comment: This sequence change replaces glutamic acid, which is acidic and polar, with lysine, which is basic and polar, at codon 30 of the NDUFB3 protein (p.Glu30Lys). This variant is not present in population databases (gnomAD no frequency). This variant has not been reported in the literature in individuals affected with NDUFB3-related conditions. Algorithms developed to predict the effect of missense changes on protein structure and function (SIFT, PolyPhen-2, Align-GVGD) all suggest that this variant is likely to be tolerated. In summary, the available evidence is currently insufficient to determine the role of this variant in disease. Therefore, it has been classified as a Variant of Uncertain Significance.

NM_002491.3(NDUFB3):c.88G>A (p.Glu30Lys)

Gene: NDUFB3 (NADH:ubiquinone oxidoreductase subunit B3; plus strand). Cytogenetic location: 2q33.1.
Variant type: single nucleotide variant.
Coding change: c.88G>A on transcript NM_002491.3 (MANE Select); coding-DNA position 88, G replaced by A.
Protein change: p.Glu30Lys; replaces glutamic acid 30 with lysine.
Molecular consequence: missense variant.
Genome position (GRCh38, 1-based): chr2:201,078,970, G>A. VCF-style: chr2-201078970-G-A. GRCh37 (hg19) VCF-style: chr2-201943693-G-A.
Other names: c.88G>A, p.Glu30Lys (NM_001257102.2); short protein forms E30K.
Identifiers: ClinVar variation 1716105 (VCV001716105.5), dbSNP rs2469677338, ClinGen allele CA350268661.